The following is an entry in ClinVar:

ClinVar aggregate classification (germline): Likely pathogenic (1 of 4 stars; one submission).

Conditions:
Primary immunodeficiency with natural-killer cell deficiency and adrenal insufficiency (IMD54). Also called: Natural killer cell and glucocorticoid deficiency with DNA repair defect; IMMUNODEFICIENCY 54. Identifiers: Orphanet 75391, MedGen C1864947, MONDO:0012383, OMIM 609981.

Allele frequency attached by ClinVar (database versions not stated): gnomAD exomes below 0.00001.

Submission:

Centre for Mendelian Genomics, University Medical Centre Ljubljana
Classification: Likely pathogenic for Primary immunodeficiency with natural-killer cell deficiency and adrenal insufficiency. Last evaluated: 2019-03-06. Review status: criteria provided, single submitter. Criteria: ACMG Guidelines, 2015. Collection method: clinical testing. Allele origin: unknown. Affected: yes.
Comment: This variant was classified as: Likely pathogenic. The following ACMG criteria were applied in classifying this variant: PVS1,PM2.

NM_182746.3(MCM4):c.220C>T (p.Gln74Ter)

Gene: MCM4 (minichromosome maintenance complex component 4; plus strand). Cytogenetic location: 8q11.21.
Variant type: single nucleotide variant.
Coding change: c.220C>T on transcript NM_182746.3 (MANE Select); coding-DNA position 220, C replaced by T.
Protein change: p.Gln74Ter; replaces glutamine 74 with a stop codon.
Molecular consequence: nonsense.
Genome position (GRCh38, 1-based): chr8:47,961,665, C>T. VCF-style: chr8-47961665-C-T. GRCh37 (hg19) VCF-style: chr8-48874225-C-T.
Other names: c.220C>T, p.Gln74Ter (NM_005914.4); short protein forms Q74*.
Identifiers: ClinVar variation 930225 (VCV000930225.3), dbSNP rs1235010442, ClinGen allele CA371145147.